The following is an entry in ClinVar:

NM_004360.5(CDH1):c.2497T>A (p.Phe833Ile)

Gene: CDH1 (cadherin 1; plus strand). Cytogenetic location: 16q22.1.
Variant type: single nucleotide variant.
Coding change: c.2497T>A on transcript NM_004360.5 (MANE Select); coding-DNA position 2497, T replaced by A.
Protein change: p.Phe833Ile; replaces phenylalanine 833 with isoleucine.
Molecular consequence: missense variant.
Genome position (GRCh38, 1-based): chr16:68,833,347, T>A. VCF-style: chr16-68833347-T-A. GRCh37 (hg19) VCF-style: chr16-68867250-T-A.
Other names: c.2314T>A, p.Phe772Ile (NM_001317184.2); c.949T>A, p.Phe317Ile (NM_001317185.2); c.532T>A, p.Phe178Ile (NM_001317186.2); short protein forms F833I, F178I, F772I, F317I.
Identifiers: ClinVar variation 4727508 (VCV004727508.1).

ClinVar aggregate classification (germline): Uncertain significance (1 of 4 stars; one submission).

Conditions:
Hereditary diffuse gastric adenocarcinoma (HDGC). Also called: DIFFUSE GASTRIC AND LOBULAR BREAST CANCER SYNDROME. Identifiers: Orphanet 26106, MedGen C1708349, MONDO:0007648, OMIM 137215.

Submission:

Labcorp Genetics (formerly Invitae), Labcorp
Classification: Uncertain significance for Hereditary diffuse gastric adenocarcinoma. Last evaluated: 2025-09-20. Review status: criteria provided, single submitter. Criteria: Invitae Variant Classification Sherloc (09022015). Collection method: clinical testing. Allele origin: germline.
Comment: This sequence change replaces phenylalanine, which is neutral and non-polar, with isoleucine, which is neutral and non-polar, at codon 833 of the CDH1 protein (p.Phe833Ile). This variant is not present in population databases (gnomAD no frequency). This variant has not been reported in the literature in individuals affected with CDH1-related conditions. An algorithm developed to predict the effect of missense changes on protein structure and function (PolyPhen-2) suggests that this variant is likely to be disruptive. In summary, the available evidence is currently insufficient to determine the role of this variant in disease. Therefore, it has been classified as a Variant of Uncertain Significance.